The following is an entry in ClinVar:

ClinVar aggregate classification (germline): Benign. Review status: criteria provided, single submitter (1 of 4 stars). 4 submissions from 3 submitters: Benign (1). 3 of the submissions do not count toward it. Last evaluated 2024-11-26.

Conditions:
ABCG2-related disorder. Also called: ABCG2-related condition.
URIC ACID CONCENTRATION, SERUM, QUANTITATIVE TRAIT LOCUS 1 (UAQTL1). Also called: GOUT SUSCEPTIBILITY 1. Identifiers: MedGen C1841837, OMIM 138900.
BLOOD GROUP, JUNIOR SYSTEM (JR). Also called: JUNIOR BLOOD GROUP SYSTEM, JR(a-) PHENOTYPE. Identifiers: MedGen C3280986, OMIM 614490.

Allele frequency attached by ClinVar (database versions not stated): ESP Exome Variant Server 0.04552; gnomAD exomes 0.05895 and 0.11419; gnomAD 0.07216 and 0.07814; TOPMed 0.08294; ExAC 0.10758; 1000 Genomes Project 30x 0.15646; 1000 Genomes Project 0.15755.
gnomAD v4.1: 99,317 of 1,613,912 alleles (6.2%); highest among the groups gnomAD compares: East Asian, 27%; 6,281 homozygotes.

Submissions (4):

Blueprint Genetics
Classification: Benign. Last evaluated: 2024-11-26. Review status: criteria provided, single submitter. Criteria: ACMG Guidelines, 2015. Collection method: clinical testing. Allele origin: germline.

PreventionGenetics, part of Exact Sciences
Classification: Likely benign for ABCG2-related condition. Last evaluated: 2021-07-21. Review status: no assertion criteria provided. Collection method: clinical testing. Allele origin: germline. Not counted in ClinVar's aggregate classification.
Comment: This variant is classified as likely benign based on ACMG/AMP sequence variant interpretation guidelines (Richards et al. 2015 PMID: 25741868, with internal and published modifications).

OMIM
Classification: association for URIC ACID CONCENTRATION, SERUM, QUANTITATIVE TRAIT LOCUS 1. Last evaluated: 2012-01-15. Review status: no assertion criteria provided. Collection method: literature only. Allele origin: germline. Not counted in ClinVar's aggregate classification.

OMIM
Classification: Affects for JUNIOR BLOOD GROUP SYSTEM, JR(a-) PHENOTYPE. Last evaluated: 2012-01-15. Review status: no assertion criteria provided. Collection method: literature only. Allele origin: germline. Not counted in ClinVar's aggregate classification.

Literature cited by the submitters: PubMed 20368174 (cited by OMIM); PubMed 16702730 (cited by OMIM); PubMed 22246507 (cited by OMIM).

NM_004827.3(ABCG2):c.34G>A (p.Val12Met)

Gene: ABCG2 (ATP binding cassette subfamily G member 2 (JR blood group); minus strand). Cytogenetic location: 4q22.1.
Variant type: single nucleotide variant.
Coding change: c.34G>A on transcript NM_004827.3 (MANE Select); coding-DNA position 34, G replaced by A.
Protein change: p.Val12Met; replaces valine 12 with methionine.
Molecular consequence: missense variant.
Genome position (GRCh38, 1-based): chr4:88,139,962, C>T on the plus strand (G>A on the coding strand, the complement: ABCG2 is on the minus strand). VCF-style: chr4-88139962-C-T. GRCh37 (hg19) VCF-style: chr4-89061114-C-T.
Other names: ABCG2, VAL12MET (rs2231137); c.34G>A, p.Val12Met (NM_001257386.2, NM_001348985.1, NM_001348986.2 and 3 more transcripts); short protein forms V12M.
Identifiers: ClinVar variation 30386 (VCV000030386.4), dbSNP rs2231137, ClinGen allele CA129174.